The following is an entry in ClinVar:

ClinVar aggregate classification (germline): Pathogenic (1 of 4 stars; one submission).

Submission:

Labcorp Genetics (formerly Invitae), Labcorp
Classification: Pathogenic. Last evaluated: 2022-04-28. Review status: criteria provided, single submitter. Criteria: Invitae Variant Classification Sherloc (09022015). Collection method: clinical testing. Allele origin: germline.
Comment: This sequence change creates a premature translational stop signal (p.Ser30Argfs*14) in the UBA5 gene. It is expected to result in an absent or disrupted protein product. Loss-of-function variants in UBA5 are known to be pathogenic (PMID: 27545674, 27545681). This variant is not present in population databases (gnomAD no frequency). This variant has not been reported in the literature in individuals affected with UBA5-related conditions. For these reasons, this variant has been classified as Pathogenic.

Literature cited by the submitters: PubMed 27545674; PubMed 27545681.

NM_024818.6(UBA5):c.90del (p.Ser30fs)

Genes: NPHP3-ACAD11 (NPHP3-ACAD11 readthrough (NMD candidate); minus strand), UBA5 (ubiquitin like modifier activating enzyme 5; plus strand). Cytogenetic location: 3q22.1.
Variant type: Deletion.
Coding change: c.90del on transcript NM_024818.6 (MANE Select); coding-DNA position 90, one base deleted (C; older notation c.90delC).
Protein change: p.Ser30fs; shifts the reading frame from serine 30.
Molecular consequence: frameshift variant. On other transcripts: 5 prime UTR variant (3), intron variant (1).
Genome position (GRCh38, 1-based): chr3:132,660,627, C deleted. VCF-style (leftmost placement, unchanged base first): chr3-132660626-GC-G. GRCh37 (hg19) VCF-style: chr3-132379470-GC-G.
Other names: c.-429del (NM_001320210.2); c.-395del (NM_001321238.2); c.-111del (NM_001321239.1); c.-7-5196del (NM_198329.4); short protein forms S30fs.
Identifiers: ClinVar variation 1971012 (VCV001971012.5), dbSNP rs2530278731, ClinGen allele CA2580068763.